The following is an entry in ClinVar:

NM_032119.4(ADGRV1):c.11385C>G (p.Thr3795=)

Gene: ADGRV1 (adhesion G protein-coupled receptor V1; plus strand). Cytogenetic location: 5q14.3.
Variant type: single nucleotide variant.
Coding change: c.11385C>G on transcript NM_032119.4 (MANE Select); coding-DNA position 11385, C replaced by G.
Protein change: p.Thr3795=; no amino-acid change (threonine 3795 retained).
Molecular consequence: synonymous variant. On other transcripts: non-coding transcript variant (1).
Genome position (GRCh38, 1-based): chr5:90,754,990, C>G. VCF-style: chr5-90754990-C-G. GRCh37 (hg19) VCF-style: chr5-90050807-C-G.
Other names: c.11385C>G (NM_032119.3).
Identifiers: ClinVar variation 2961024 (VCV002961024.8), dbSNP rs535263649, ClinGen allele CA3340965.
Genomic context (GRCh38, chr5:90,754,990, plus strand): 5'-GCATTGACAGCAAATAGAAAAGACTATTTACTCGTGGCATGTTTCTCTCACAGAAAACAC[C>G]ACCACTCTTCAGTTACAAATAGCTCGAGATAAAGGACTACTTGGGGATATTGCCATTCAC-3'
Protein context (NP_115495.3, residues 3785-3805): FIRVAEPKEN[Thr3795=]TTLQLQIARD

ClinVar aggregate classification (germline): Conflicting classifications of pathogenicity. Review status: criteria provided, conflicting classifications (1 of 4 stars). 5 submissions from 5 submitters: Uncertain significance (1); Likely benign (4). Last evaluated 2026-05-21.

Conditions:
ADGRV1-related disorder. Also called: ADGRV1-related condition; ADGRV1-related disorders.

Allele frequency attached by ClinVar (database versions not stated): 1000 Genomes Project 30x 0.00016; 1000 Genomes Project 0.00020.
gnomAD v4.1: 18 of 1,610,746 alleles (0.0011%); highest among the groups gnomAD compares: East Asian, 0.04%; no homozygotes.

Submissions (5):

PreventionGenetics, part of Exact Sciences
Classification: Likely benign for ADGRV1-related condition. Last evaluated: 2026-05-21. Review status: criteria provided, single submitter. Criteria: ACMG Guidelines, 2015. Collection method: clinical testing. Allele origin: germline.
Comment: This variant is classified as likely benign based on ACMG/AMP sequence variant interpretation guidelines (Richards et al. 2015 PMID: 25741868, with internal and published modifications).

Women's Health and Genetics/Laboratory Corporation of America, LabCorp
Classification: Likely benign. Last evaluated: 2025-04-15. Review status: criteria provided, single submitter. Criteria: LabCorp Variant Classification Summary - May 2015. Collection method: clinical testing. Allele origin: germline.

Labcorp Genetics (formerly Invitae), Labcorp
Classification: Likely benign. Last evaluated: 2024-12-21. Review status: criteria provided, single submitter. Criteria: Invitae Variant Classification Sherloc (09022015). Collection method: clinical testing. Allele origin: germline.

GeneDx
Classification: Uncertain significance. Last evaluated: 2024-12-09. Review status: criteria provided, single submitter. Criteria: GeneDx Variant Classification Process June 2021. Collection method: clinical testing. Allele origin: germline. Affected: yes.
Comment: In silico analysis indicates that this variant does not alter splicing; Has not been previously published as pathogenic or benign to our knowledge

Blueprint Genetics
Classification: Likely benign. Last evaluated: 2024-09-18. Review status: criteria provided, single submitter. Criteria: ACMG Guidelines, 2015. Collection method: clinical testing. Allele origin: germline.